The following is an entry in ClinVar:

NM_001029883.3(PCARE):c.1191G>A (p.Trp397Ter)

Gene: PCARE (photoreceptor cilium actin regulator; minus strand). Cytogenetic location: 2p23.2.
Variant type: single nucleotide variant.
Coding change: c.1191G>A on transcript NM_001029883.3 (MANE Select); coding-DNA position 1191, G replaced by A.
Protein change: p.Trp397Ter; replaces tryptophan 397 with a stop codon.
Molecular consequence: nonsense.
Genome position (GRCh38, 1-based): chr2:29,073,071, C>T on the plus strand (G>A on the coding strand, the complement: PCARE is on the minus strand). VCF-style: chr2-29073071-C-T. GRCh37 (hg19) VCF-style: chr2-29295937-C-T.
Other names: short protein forms W397*.
Identifiers: ClinVar variation 599266 (VCV000599266.6), dbSNP rs777103184, ClinGen allele CA1592476.
Genomic context (GRCh38, chr2:29,073,071, plus strand): 5'-AGCCCCTGAGAGCAGGCAGTCCTGGGGTCTGCCTGAGCCCAAACAGAATGGACTTTGCTG[C>T]CAGGTGTGTCCTGACTGCCTGGCCTCTGTGTGGGGTGAAGTCACCGACTTCCATTCTTCG-3'

ClinVar aggregate classification (germline): Pathogenic/Likely pathogenic. Review status: criteria provided, multiple submitters, no conflicts (2 of 4 stars). 3 submissions from 3 submitters: Pathogenic (1); Likely pathogenic (1). 1 of the submissions does not count toward it. Last evaluated 2024-12-18.

Conditions:
PCARE-related disorder. Also called: PCARE-related condition.
Retinitis pigmentosa 54 (RP54). Identifiers: Orphanet 791, MedGen C3150691, MONDO:0013263, OMIM 613428.

Allele frequency attached by ClinVar (database versions not stated): TOPMed below 0.00001; ExAC 0.00001; gnomAD exomes 0.00001.
gnomAD v4.1: 12 of 1,613,970 alleles (0.00074%); highest among the groups gnomAD compares: Middle Eastern, 0.016%; no homozygotes.

Submissions (3):

Labcorp Genetics (formerly Invitae), Labcorp
Classification: Pathogenic. Last evaluated: 2024-12-18. Review status: criteria provided, single submitter. Criteria: Invitae Variant Classification Sherloc (09022015). Collection method: clinical testing. Allele origin: germline.
Comment: This sequence change creates a premature translational stop signal (p.Trp397*) in the PCARE gene. It is expected to result in an absent or disrupted protein product. Loss-of-function variants in PCARE are known to be pathogenic (PMID: 20398886, 24339724, 26496393). This variant is present in population databases (rs777103184, gnomAD 0.003%). This variant has not been reported in the literature in individuals affected with PCARE-related conditions. ClinVar contains an entry for this variant (Variation ID: 599266). For these reasons, this variant has been classified as Pathogenic.

Blueprint Genetics
Classification: Likely pathogenic for PCARE-related disorders. Last evaluated: 2022-09-14. Review status: criteria provided, single submitter. Criteria: ACMG Guidelines, 2015. Collection method: clinical testing. Allele origin: germline. Affected: yes. Observed: 1 variant allele.

Foundation for Research in Genetics and Endocrinology, FRIGE's Institute of Human Genetics
Classification: Pathogenic for Retinitis pigmentosa 54. Last evaluated: 2018-12-06. Review status: no assertion criteria provided. Collection method: clinical testing. Allele origin: germline. Inheritance: Autosomal recessive inheritance. Affected: yes. Observed: 1 homozygote. Not counted in ClinVar's aggregate classification.
Comment: The observed variant NM_001029883:c.1191G>A (p. Trp397Ter) has not been reported in 1000 genomes and has a minor allele frequency of 0.001% in the ExAC database. The in-silico prediction of the variant is damaging by MutationTaster2.

Literature cited by the submitters: PubMed 20398886 (cited by Labcorp Genetics (formerly Invitae), Labcorp); PubMed 24339724 (cited by Labcorp Genetics (formerly Invitae), Labcorp); PubMed 26496393 (cited by Labcorp Genetics (formerly Invitae), Labcorp).